The following is an entry in ClinVar:

NM_000484.4(APP):c.2104A>G (p.Ile702Val)

Gene: APP (amyloid beta precursor protein; minus strand). Cytogenetic location: 21q21.3.
Variant type: single nucleotide variant.
Coding change: c.2104A>G on transcript NM_000484.4 (MANE Select); coding-DNA position 2104, A replaced by G.
Protein change: p.Ile702Val; replaces isoleucine 702 with valine.
Molecular consequence: missense variant.
Genome position (GRCh38, 1-based): chr21:25,891,829, T>C on the plus strand (A>G on the coding strand, the complement: APP is on the minus strand). VCF-style: chr21-25891829-T-C. GRCh37 (hg19) VCF-style: chr21-27264141-T-C.
Other names: c.2032A>G, p.Ile678Val (NM_001136016.3); c.1711A>G, p.Ile571Val (NM_001136129.3); c.1936A>G, p.Ile646Val (NM_001136130.3, NM_001385253.1); c.1774A>G, p.Ile592Val (NM_001136131.3); c.2050A>G, p.Ile684Val (NM_001204301.2); c.1993A>G, p.Ile665Val (NM_001204302.2); c.1825A>G, p.Ile609Val (NM_001204303.2); c.2047A>G, p.Ile683Val (NM_201413.3); and 1 more; short protein forms I609V, I627V, I646V, I665V, I702V, I571V, I678V, I683V.
Identifiers: ClinVar variation 4738279 (VCV004738279.1).
Genomic context (GRCh38, chr21:25,891,829, plus strand): 5'-TCACCAAGGTGATGACGATCACTGTCGCTATGACAACACCGCCCACCATGAGTCCAATGA[T>C]TGCACCTTTGTTTGAACCCACATCTTCTGCAAAGAACACCTTGAAAACAAATTAAGAAAA-3'
Protein context (NP_000475.1, residues 692-712): AEDVGSNKGA[Ile702Val]IGLMVGGVVI

ClinVar aggregate classification (germline): Uncertain significance (1 of 4 stars; one submission).

Conditions:
Alzheimer disease. Also called: Presenile and senile dementia; Alzheimer's disease. Identifiers: Orphanet 1020, MedGen C0002395, MeSH D000544, MONDO:0004975, HP:0002511.

gnomAD v4.1: 7 of 1,614,008 alleles (0.00043%); highest among the groups gnomAD compares: Non-Finnish European, 0.00059%; no homozygotes.

Submission:

Labcorp Genetics (formerly Invitae), Labcorp
Classification: Uncertain significance for Alzheimer disease. Last evaluated: 2025-06-18. Review status: criteria provided, single submitter. Criteria: Invitae Variant Classification Sherloc (09022015). Collection method: clinical testing. Allele origin: germline.
Comment: This sequence change replaces isoleucine, which is neutral and non-polar, with valine, which is neutral and non-polar, at codon 702 of the APP protein (p.Ile702Val). This variant is present in population databases (rs760838173, gnomAD 0.0009%). This variant has not been reported in the literature in individuals affected with APP-related conditions. Invitae Evidence Modeling of protein sequence and biophysical properties (such as structural, functional, and spatial information, amino acid conservation, physicochemical variation, residue mobility, and thermodynamic stability) has been performed for this missense variant. However, the output from this modeling did not meet the statistical confidence thresholds required to predict the impact of this variant on APP protein function. In summary, the available evidence is currently insufficient to determine the role of this variant in disease. Therefore, it has been classified as a Variant of Uncertain Significance.